The following is an entry in ClinVar:

NM_004304.5(ALK):c.1343T>A (p.Val448Asp)

Gene: ALK (ALK receptor tyrosine kinase; minus strand). Cytogenetic location: 2p23.2.
Variant type: single nucleotide variant.
Coding change: c.1343T>A on transcript NM_004304.5 (MANE Select); coding-DNA position 1343, T replaced by A.
Protein change: p.Val448Asp; replaces valine 448 with aspartic acid.
Molecular consequence: missense variant.
Genome position (GRCh38, 1-based): chr2:29,328,421, A>T on the plus strand (T>A on the coding strand, the complement: ALK is on the minus strand). VCF-style: chr2-29328421-A-T. GRCh37 (hg19) VCF-style: chr2-29551287-A-T.
Other names: short protein forms V448D.
Identifiers: ClinVar variation 565782 (VCV000565782.10), dbSNP rs1425828384, ClinGen allele CA346474339.
Genomic context (GRCh38, chr2:29,328,421, plus strand): 5'-CTCTCATCTTCTCCCTGGGCACAGTCCTGGTGGAAGTCACAGGCCTGCCCAAGCTGGAGG[A>T]CTGTCCCATTCCAACAAGTGAAGGAGCTCTGCAGGGCCATCTTGGAGCCTGGGGATGTTC-3'
Protein context (NP_004295.2, residues 438-458): QSSFTCWNGT[Val448Asp]LQLGQACDFH

ClinVar aggregate classification (germline): Uncertain significance. Review status: criteria provided, multiple submitters, no conflicts (2 of 4 stars). 3 submissions from 3 submitters: Uncertain significance (3). Last evaluated 2025-01-25.

Conditions:
Hereditary cancer-predisposing syndrome. Also called: Neoplastic Syndromes, Hereditary; Tumor predisposition; Hereditary Cancer Syndrome; Hereditary neoplastic syndrome. Identifiers: Orphanet 140162, MedGen C0027672, MeSH D009386, MONDO:0015356.
Neuroblastoma, susceptibility to, 3. Also called: ALK-Related Neuroblastic Tumor Susceptibility. Identifiers: Orphanet 635, MedGen C2751681, MONDO:0013083, OMIM 613014.

Allele frequency attached by ClinVar (database versions not stated): gnomAD exomes below 0.00001.
gnomAD v4.1: 1 of 1,614,164 alleles (0.000062%); highest among the groups gnomAD compares: Middle Eastern, 0.016%; no homozygotes.

Submissions (3):

Ambry Genetics
Classification: Uncertain significance for Hereditary cancer-predisposing syndrome. Last evaluated: 2025-01-25. Review status: criteria provided, single submitter. Criteria: Ambry Variant Classification Scheme 2023. Collection method: clinical testing. Allele origin: germline.
Comment: The p.V448D variant (also known as c.1343T>A), located in coding exon 6 of the ALK gene, results from a T to A substitution at nucleotide position 1343. The valine at codon 448 is replaced by aspartic acid, an amino acid with highly dissimilar properties. This amino acid position is conserved. In addition, the in silico prediction for this alteration is inconclusive. Based on the available evidence, the clinical significance of this variant remains unclear.

Labcorp Genetics (formerly Invitae), Labcorp
Classification: Uncertain significance for Neuroblastoma, susceptibility to, 3. Last evaluated: 2023-12-08. Review status: criteria provided, single submitter. Criteria: Invitae Variant Classification Sherloc (09022015). Collection method: clinical testing. Allele origin: germline.
Comment: This sequence change replaces valine, which is neutral and non-polar, with aspartic acid, which is acidic and polar, at codon 448 of the ALK protein (p.Val448Asp). This variant is present in population databases (no rsID available, gnomAD no frequency). This variant has not been reported in the literature in individuals affected with ALK-related conditions. ClinVar contains an entry for this variant (Variation ID: 565782). An algorithm developed to predict the effect of missense changes on protein structure and function (PolyPhen-2) suggests that this variant is likely to be tolerated. In summary, the available evidence is currently insufficient to determine the role of this variant in disease. Therefore, it has been classified as a Variant of Uncertain Significance.

Fulgent Genetics
Classification: Uncertain significance for Neuroblastoma, susceptibility to, 3. Last evaluated: 2018-10-31. Review status: criteria provided, single submitter. Criteria: ACMG Guidelines, 2015. Collection method: clinical testing. Allele origin: unknown.